The following is an entry in ClinVar:

ClinVar aggregate classification (germline): Uncertain significance (1 of 4 stars; one submission).

Allele frequency attached by ClinVar (database versions not stated): gnomAD exomes 0.00002; ESP Exome Variant Server 0.00008; ExAC 0.00009; gnomAD 0.00017; TOPMed 0.00051; 1000 Genomes Project 0.00060; 1000 Genomes Project 30x 0.00078.
gnomAD v4.1: 56 of 1,613,936 alleles (0.0035%); highest among the groups gnomAD compares: Admixed American, 0.045%; no homozygotes.

Submission:

Women's Health and Genetics/Laboratory Corporation of America, LabCorp
Classification: Uncertain significance. Last evaluated: 2023-11-08. Review status: criteria provided, single submitter. Criteria: LabCorp Variant Classification Summary - May 2015. Collection method: clinical testing. Allele origin: germline.
Comment: Variant summary: PRSS12 c.1888C>T (p.Arg630Trp) results in a non-conservative amino acid change located in the Kringle (IPR000001) of the encoded protein sequence. Five of five in-silico tools predict a damaging effect of the variant on protein function. The variant allele was found at a frequency of 6.8e-05 in 251164 control chromosomes. To our knowledge, no occurrence of c.1888C>T in individuals affected with Intellectual Disability, Autosomal Recessive 1 and no experimental evidence demonstrating its impact on protein function have been reported. No submitters have cited clinical-significance assessments for this variant to ClinVar after 2014. Based on the evidence outlined above, the variant was classified as uncertain significance.

NM_003619.4(PRSS12):c.1888C>T (p.Arg630Trp)

Gene: PRSS12 (serine protease 12; minus strand). Cytogenetic location: 4q26.
Variant type: single nucleotide variant.
Coding change: c.1888C>T on transcript NM_003619.4 (MANE Select); coding-DNA position 1888, C replaced by T.
Protein change: p.Arg630Trp; replaces arginine 630 with tryptophan.
Molecular consequence: missense variant.
Genome position (GRCh38, 1-based): chr4:118,295,806, G>A on the plus strand (C>T on the coding strand, the complement: PRSS12 is on the minus strand). VCF-style: chr4-118295806-G-A. GRCh37 (hg19) VCF-style: chr4-119216961-G-A.
Other names: short protein forms R630W.
Identifiers: ClinVar variation 2682399 (VCV002682399.1), dbSNP rs199606749, ClinGen allele CA3055521.